The following is an entry in ClinVar:

NM_005720.4(ARPC1B):c.501-5G>T

Gene: ARPC1B (actin related protein 2/3 complex subunit 1B; plus strand). Cytogenetic location: 7q22.1.
Variant type: single nucleotide variant.
Coding change: c.501-5G>T on transcript NM_005720.4 (MANE Select); 5 bases into the intron before coding-DNA position 501, G replaced by T.
Molecular consequence: intron variant.
Genome position (GRCh38, 1-based): chr7:99,390,888, G>T. VCF-style: chr7-99390888-G-T. GRCh37 (hg19) VCF-style: chr7-98988511-G-T.
Other names: p.?.
Identifiers: ClinVar variation 1168918 (VCV001168918.44), dbSNP rs185268486, ClinGen allele CA4364047.

ClinVar aggregate classification (germline): Benign/Likely benign. Review status: criteria provided, multiple submitters, no conflicts (2 of 4 stars). 3 submissions from 3 submitters: Benign (2); Likely benign (1). Last evaluated 2026-02-01.

Allele frequency attached by ClinVar (database versions not stated): ESP Exome Variant Server 0.00100; 1000 Genomes Project 30x 0.00109; 1000 Genomes Project 0.00120; ExAC 0.00318.

Submissions (3):

Labcorp Genetics (formerly Invitae), Labcorp
Classification: Benign. Last evaluated: 2026-02-01. Review status: criteria provided, single submitter. Criteria: Invitae Variant Classification Sherloc (09022015). Collection method: clinical testing. Allele origin: germline.

CeGaT Center for Human Genetics Tuebingen
Classification: Likely benign. Last evaluated: 2026-01-01. Review status: criteria provided, single submitter. Criteria: CeGaT Center For Human Genetics Tuebingen Variant Classification Criteria Version 2. Collection method: clinical testing. Allele origin: germline. Affected: yes. Observed: 4 variant alleles.
Comment: ARPC1B: BP4, BS2

Mayo Clinic Laboratories, Mayo Clinic
Classification: Benign. Last evaluated: 2025-01-02. Review status: criteria provided, single submitter. Criteria: ACMG Guidelines, 2015. Collection method: clinical testing. Allele origin: germline. Observed: 5 variant alleles.
Comment: BS1, BS2, BP4, BP7